The following is an entry in ClinVar:

ClinVar aggregate classification (germline): Conflicting classifications of pathogenicity. Review status: criteria provided, conflicting classifications (1 of 4 stars). 4 submissions from 4 submitters: Uncertain significance (3); Likely benign (1). Last evaluated 2026-05-10.

Conditions:
Hereditary cancer-predisposing syndrome. Also called: Tumor predisposition; Hereditary neoplastic syndrome; Neoplastic Syndromes, Hereditary; Hereditary Cancer Syndrome. Identifiers: Orphanet 140162, MedGen C0027672, MeSH D009386, MONDO:0015356.

Allele frequency attached by ClinVar (database versions not stated): gnomAD exomes 0.00001; TOPMed 0.00001; ExAC 0.00001; gnomAD 0.00001.

Submissions (4):

Ambry Genetics
Classification: Likely benign for Hereditary cancer-predisposing syndrome. Last evaluated: 2026-05-10. Review status: criteria provided, single submitter. Criteria: Ambry Variant Classification Scheme 2023. Collection method: clinical testing. Allele origin: germline.

Labcorp Genetics (formerly Invitae), Labcorp
Classification: Uncertain significance. Last evaluated: 2025-11-24. Review status: criteria provided, single submitter. Criteria: Invitae Variant Classification Sherloc (09022015). Collection method: clinical testing. Allele origin: germline.
Comment: This sequence change replaces alanine, which is neutral and non-polar, with valine, which is neutral and non-polar, at codon 21 of the HOXB13 protein (p.Ala21Val). This variant is present in population databases (rs772484566, gnomAD 0.006%). This variant has not been reported in the literature in individuals affected with HOXB13-related conditions. ClinVar contains an entry for this variant (Variation ID: 483503). An algorithm developed to predict the effect of missense changes on protein structure and function outputs the following: PolyPhen-2: "Benign". The valine amino acid residue is found in multiple mammalian species, which suggests that this missense change does not adversely affect protein function. In summary, the available evidence is currently insufficient to determine the role of this variant in disease. Therefore, it has been classified as a Variant of Uncertain Significance.

Quest Diagnostics Nichols Institute San Juan Capistrano
Classification: Uncertain significance. Last evaluated: 2024-12-14. Review status: criteria provided, single submitter. Criteria: Quest Diagnostics criteria. Collection method: clinical testing. Allele origin: unknown.
Comment: The HOXB13 c.62C>T (p.Ala21Val) variant has not been reported in individuals with HOXB13-related conditions in the published literature. The frequency of this variant in the general population (Genome Aggregation Database) is uninformative in the assessment of its pathogenicity. Analysis of this variant using bioinformatics tools for the prediction of the effect of amino acid changes on protein structure and function yielded predictions that this variant is benign. Based on the available information, we are unable to determine the clinical significance of this variant.

GeneDx
Classification: Uncertain significance. Last evaluated: 2024-01-04. Review status: criteria provided, single submitter. Criteria: GeneDx Variant Classification Process June 2021. Collection method: clinical testing. Allele origin: germline. Affected: yes.
Comment: Not observed at significant frequency in large population cohorts (gnomAD); In silico analysis supports that this missense variant does not alter protein structure/function; Has not been previously published as pathogenic or benign to our knowledge; This variant is associated with the following publications: (PMID: 28272408)

Literature cited by the submitters: PubMed 28272408 (cited by Ambry Genetics).

NM_006361.6(HOXB13):c.62C>T (p.Ala21Val)

Gene: HOXB13 (homeobox B13; minus strand). Cytogenetic location: 17q21.32.
Variant type: single nucleotide variant.
Coding change: c.62C>T on transcript NM_006361.6 (MANE Select); coding-DNA position 62, C replaced by T.
Protein change: p.Ala21Val; replaces alanine 21 with valine.
Molecular consequence: missense variant.
Genome position (GRCh38, 1-based): chr17:48,728,532, G>A on the plus strand (C>T on the coding strand, the complement: HOXB13 is on the minus strand). VCF-style: chr17-48728532-G-A. GRCh37 (hg19) VCF-style: chr17-46805894-G-A.
Other names: short protein forms A21V.
Identifiers: ClinVar variation 483503 (VCV000483503.20), dbSNP rs772484566, ClinGen allele CA8634074.